The following is an entry in ClinVar:

NM_003850.3(SUCLA2):c.211G>A (p.Val71Ile)

Gene: SUCLA2 (succinate-CoA ligase ADP-forming subunit beta; minus strand). Cytogenetic location: 13q14.2.
Variant type: single nucleotide variant.
Coding change: c.211G>A on transcript NM_003850.3 (MANE Select); coding-DNA position 211, G replaced by A.
Protein change: p.Val71Ile; replaces valine 71 with isoleucine.
Molecular consequence: missense variant.
Genome position (GRCh38, 1-based): chr13:47,996,903, C>T on the plus strand (G>A on the coding strand, the complement: SUCLA2 is on the minus strand). VCF-style: chr13-47996903-C-T. GRCh37 (hg19) VCF-style: chr13-48571038-C-T.
Other names: short protein forms V71I.
Identifiers: ClinVar variation 4975165 (VCV004975165.1).

ClinVar aggregate classification (germline): Uncertain significance (1 of 4 stars; one submission).

gnomAD v4.1: 21 of 1,613,972 alleles (0.0013%); highest among the groups gnomAD compares: South Asian, 0.012%; no homozygotes.

Submission:

GeneDx
Classification: Uncertain significance. Last evaluated: 2026-03-18. Review status: criteria provided, single submitter. Criteria: GeneDx Variant Classification Process June 2021. Collection method: clinical testing. Allele origin: germline.
Comment: Not observed at significant frequency in large population cohorts (gnomAD); In silico analysis suggests that this missense variant does not alter protein structure/function; Has not been previously published as pathogenic or benign to our knowledge